The following is an entry in ClinVar:

ClinVar aggregate classification (germline): Uncertain significance. Review status: criteria provided, multiple submitters, no conflicts (2 of 4 stars). 3 submissions from 3 submitters: Uncertain significance (3). Last evaluated 2025-01-09.

Conditions:
Inborn genetic diseases. Identifiers: MedGen C0950123, MeSH D030342.
Early-infantile DEE. Also called: Early infantile epileptic encephalopathy with suppression bursts; Early infantile epileptic encephalopathy; Ohtahara syndrome. Identifiers: Orphanet 1934, MedGen C0393706, MONDO:0800491.

Allele frequency attached by ClinVar (database versions not stated): TOPMed below 0.00001; gnomAD 0.00001 and 0.00003; gnomAD exomes 0.00002 and 0.00004; ExAC 0.00006; 1000 Genomes Project 30x 0.00016; 1000 Genomes Project 0.00020.
gnomAD v4.1: 31 of 1,613,824 alleles (0.0019%); highest among the groups gnomAD compares: East Asian, 0.0022%; no homozygotes.

Submissions (3):

Ambry Genetics
Classification: Uncertain significance for Inborn genetic diseases. Last evaluated: 2025-01-09. Review status: criteria provided, single submitter. Criteria: Ambry Variant Classification Scheme 2023. Collection method: clinical testing. Allele origin: germline.

Labcorp Genetics (formerly Invitae), Labcorp
Classification: Uncertain significance for Early-infantile DEE. Last evaluated: 2024-04-29. Review status: criteria provided, single submitter. Criteria: Invitae Variant Classification Sherloc (09022015). Collection method: clinical testing. Allele origin: germline.
Comment: This sequence change replaces alanine, which is neutral and non-polar, with threonine, which is neutral and polar, at codon 253 of the CACNA2D2 protein (p.Ala253Thr). This variant is present in population databases (rs199634498, gnomAD 0.04%). This variant has not been reported in the literature in individuals affected with CACNA2D2-related conditions. ClinVar contains an entry for this variant (Variation ID: 570410). An algorithm developed to predict the effect of missense changes on protein structure and function (PolyPhen-2) suggests that this variant is likely to be disruptive. In summary, the available evidence is currently insufficient to determine the role of this variant in disease. Therefore, it has been classified as a Variant of Uncertain Significance.

Blueprint Genetics
Classification: Uncertain significance. Last evaluated: 2022-05-20. Review status: criteria provided, single submitter. Criteria: ACMG Guidelines, 2015. Collection method: clinical testing. Allele origin: germline.

NM_006030.4(CACNA2D2):c.757G>A (p.Ala253Thr)

Gene: CACNA2D2 (calcium voltage-gated channel auxiliary subunit alpha2delta 2; minus strand). Cytogenetic location: 3p21.31.
Variant type: single nucleotide variant.
Coding change: c.757G>A on transcript NM_006030.4 (MANE Select); coding-DNA position 757, G replaced by A.
Protein change: p.Ala253Thr; replaces alanine 253 with threonine.
Molecular consequence: missense variant.
Genome position (GRCh38, 1-based): chr3:50,381,022, C>T on the plus strand (G>A on the coding strand, the complement: CACNA2D2 is on the minus strand). VCF-style: chr3-50381022-C-T. GRCh37 (hg19) VCF-style: chr3-50418453-C-T.
Other names: c.757G>A (NM_001174051.1); c.757G>A, p.Ala253Thr (NM_001005505.3, NM_001174051.3); c.550G>A, p.Ala184Thr (NM_001291101.1); short protein forms A253T, A184T.
Identifiers: ClinVar variation 570410 (VCV000570410.8), dbSNP rs199634498, ClinGen allele CA2419092.